The following is an entry in ClinVar:

NM_033419.5(PGAP3):c.74G>C (p.Arg25Pro)

Gene: PGAP3 (post-GPI attachment to proteins phospholipase 3; minus strand). Cytogenetic location: 17q12.
Variant type: single nucleotide variant.
Coding change: c.74G>C on transcript NM_033419.5 (MANE Select); coding-DNA position 74, G replaced by C.
Protein change: p.Arg25Pro; replaces arginine 25 with proline.
Molecular consequence: missense variant.
Genome position (GRCh38, 1-based): chr17:39,687,941, C>G on the plus strand (G>C on the coding strand, the complement: PGAP3 is on the minus strand). VCF-style: chr17-39687941-C-G. GRCh37 (hg19) VCF-style: chr17-37844194-C-G.
Other names: c.74G>C, p.Arg25Pro (NM_001291726.2, NM_001291728.2, NM_001291730.2 and 2 more transcripts); short protein forms R25P.
Identifiers: ClinVar variation 1304340 (VCV001304340.2), dbSNP rs2145169348, ClinGen allele CA399261953.

ClinVar aggregate classification (germline): Uncertain significance (1 of 4 stars; one submission).

Submission:

GeneDx
Classification: Uncertain significance. Last evaluated: 2020-04-30. Review status: criteria provided, single submitter. Criteria: GeneDx Variant Classification Process June 2021. Collection method: clinical testing. Allele origin: germline. Affected: yes.
Comment: Not observed in large population cohorts (Lek et al., 2016); In silico analysis supports that this missense variant has a deleterious effect on protein structure/function; Has not been previously published as pathogenic or benign to our knowledge